The following is an entry in ClinVar:

ClinVar aggregate classification (germline): Uncertain significance. Review status: criteria provided, multiple submitters, no conflicts (2 of 4 stars). 3 submissions from 3 submitters: Uncertain significance (3). Last evaluated 2026-07-08.

Conditions:
TUB-related disorder. Also called: TUB-related condition.

gnomAD v4.1: 32 of 1,614,020 alleles (0.002%); highest among the groups gnomAD compares: Admixed American, 0.0033%; no homozygotes.

Submissions (3):

PreventionGenetics, part of Exact Sciences
Classification: Uncertain significance for TUB-related condition. Last evaluated: 2026-07-08. Review status: criteria provided, single submitter. Criteria: ACMG Guidelines, 2015. Collection method: clinical testing. Allele origin: germline.
Comment: The TUB c.847G>T variant is predicted to result in the amino acid substitution p.Val283Phe. To our knowledge, this variant has not been reported in the literature. This variant is reported in 0.0029% of alleles in individuals of Latino descent in gnomAD. At this time, the clinical significance of this variant is uncertain due to the absence of conclusive functional and genetic evidence.

Ambry Genetics
Classification: Uncertain significance. Last evaluated: 2025-12-08. Review status: criteria provided, single submitter. Criteria: Ambry Variant Classification Scheme 2023. Collection method: clinical testing. Allele origin: germline.

Labcorp Genetics (formerly Invitae), Labcorp
Classification: Uncertain significance. Last evaluated: 2024-11-11. Review status: criteria provided, single submitter. Criteria: Invitae Variant Classification Sherloc (09022015). Collection method: clinical testing. Allele origin: germline.
Comment: This sequence change replaces valine, which is neutral and non-polar, with phenylalanine, which is neutral and non-polar, at codon 283 of the TUB protein (p.Val283Phe). This variant is present in population databases (rs140700813, gnomAD 0.006%). This variant has not been reported in the literature in individuals affected with TUB-related conditions. ClinVar contains an entry for this variant (Variation ID: 1379742). An algorithm developed to predict the effect of missense changes on protein structure and function (PolyPhen-2) suggests that this variant¬†is likely to be tolerated. In summary, the available evidence is currently insufficient to determine the role of this variant in disease. Therefore, it has been classified as a Variant of Uncertain Significance.

NM_177972.3(TUB):c.682G>T (p.Val228Phe)

Genes: RIC3 (RIC3 acetylcholine receptor chaperone; minus strand), TUB (TUB bipartite transcription factor; plus strand). Cytogenetic location: 11p15.4.
Variant type: single nucleotide variant.
Coding change: c.682G>T on transcript NM_177972.3 (MANE Select); coding-DNA position 682, G replaced by T.
Protein change: p.Val228Phe; replaces valine 228 with phenylalanine.
Molecular consequence: missense variant.
Genome position (GRCh38, 1-based): chr11:8,096,801, G>T. VCF-style: chr11-8096801-G-T. GRCh37 (hg19) VCF-style: chr11-8118348-G-T.
Other names: c.847G>T (NM_003320.4); c.847G>T, p.Val283Phe (NM_003320.5); short protein forms V283F, V228F.
Identifiers: ClinVar variation 1379742 (VCV001379742.7), dbSNP rs140700813, ClinGen allele CA5871186.
Genomic context (GRCh38, chr11:8,096,801, plus strand): 5'-TCCAGCTCCTCCCAGCTAAATAGTAACACCCGCCCCAGCTCTGCTACTAGCAGGAAGTCC[G>T]TCAGGGTGAGTGAGTGAGTCTGCATCCACAGCAGTTTTTGGAGGACTGCTCATCCGTTAG-3'
Protein context (NP_813977.1, residues 218-238): RPSSATSRKS[Val228Phe]REAASAPSPT